The following is an entry in ClinVar:

ClinVar aggregate classification (germline): Uncertain significance (1 of 4 stars; one submission).

Submission:

GeneDx
Classification: Uncertain significance. Last evaluated: 2023-02-01. Review status: criteria provided, single submitter. Criteria: GeneDx Variant Classification Process June 2021. Collection method: clinical testing. Allele origin: germline. Affected: yes.
Comment: Not observed at significant frequency in large population cohorts (gnomAD); In silico analysis supports that this missense variant has a deleterious effect on protein structure/function; Has not been previously published as pathogenic or benign to our knowledge

NM_004380.3(CREBBP):c.2114A>T (p.Asn705Ile)

Gene: CREBBP (CREB binding protein; minus strand). Cytogenetic location: 16p13.3.
Variant type: single nucleotide variant.
Coding change: c.2114A>T on transcript NM_004380.3 (MANE Select); coding-DNA position 2114, A replaced by T.
Protein change: p.Asn705Ile; replaces asparagine 705 with isoleucine.
Molecular consequence: missense variant.
Genome position (GRCh38, 1-based): chr16:3,777,657, T>A on the plus strand (A>T on the coding strand, the complement: CREBBP is on the minus strand). VCF-style: chr16-3777657-T-A. GRCh37 (hg19) VCF-style: chr16-3827658-T-A.
Other names: c.2000A>T, p.Asn667Ile (NM_001079846.1); short protein forms N667I, N705I.
Identifiers: ClinVar variation 2574814 (VCV002574814.1), dbSNP rs1474330488, ClinGen allele CA394554160.